The following is an entry in ClinVar:

NM_138420.4(AHNAK2):c.8999C>T (p.Ser3000Leu)

Gene: AHNAK2 (AHNAK nucleoprotein 2; minus strand). Cytogenetic location: 14q32.33.
Variant type: single nucleotide variant.
Coding change: c.8999C>T on transcript NM_138420.4 (MANE Select); coding-DNA position 8999, C replaced by T.
Protein change: p.Ser3000Leu; replaces serine 3000 with leucine.
Molecular consequence: missense variant.
Genome position (GRCh38, 1-based): chr14:104,946,452, G>A on the plus strand (C>T on the coding strand, the complement: AHNAK2 is on the minus strand). VCF-style: chr14-104946452-G-A. GRCh37 (hg19) VCF-style: chr14-105412789-G-A.
Other names: c.8999C>T (NM_138420.2); c.8699C>T, p.Ser2900Leu (NM_001350929.2); short protein forms S2900L, S3000L.
Identifiers: ClinVar variation 2644693 (VCV002644693.25), dbSNP rs202121993, ClinGen allele CA7379812.
Genomic context (GRCh38, chr14:104,946,452, plus strand): 5'-TCCCCCTGCATGGAGGGGAGGCTCACTTCGGCCTCCACCTTCGGCGCAGACACATCCACC[G>A]AGACCTCAATGGACTTGCCTGGGGCAGACACCCCGAACGACGGCATCTTGAACTTGGGCA-3'
Protein context (NP_612429.2, residues 2990-3010): VSAPGKSIEV[Ser3000Leu]VDVSAPKVEA

ClinVar aggregate classification (germline): Conflicting classifications of pathogenicity. Review status: criteria provided, conflicting classifications (1 of 4 stars). 2 submissions from 2 submitters: Uncertain significance (1); Likely benign (1). Last evaluated 2025-08-09.

Allele frequency attached by ClinVar (database versions not stated): ExAC 0.00075.

Submissions (2):

Ambry Genetics
Classification: Uncertain significance. Last evaluated: 2025-08-09. Review status: criteria provided, single submitter. Criteria: Ambry Variant Classification Scheme 2023. Collection method: clinical testing. Allele origin: germline.

CeGaT Center for Human Genetics Tuebingen
Classification: Likely benign. Last evaluated: 2025-05-01. Review status: criteria provided, single submitter. Criteria: CeGaT Center For Human Genetics Tuebingen Variant Classification Criteria Version 2. Collection method: clinical testing. Allele origin: germline. Affected: yes. Observed: 3 variant alleles.
Comment: AHNAK2: BP4